The following is an entry in ClinVar:

NM_005732.4(RAD50):c.1291_1295del (p.Glu431fs)

Gene: RAD50 (RAD50 double strand break repair protein; plus strand). Cytogenetic location: 5q31.1.
Variant type: Deletion.
Coding change: c.1291_1295del on transcript NM_005732.4 (MANE Select); coding-DNA positions 1291 to 1295, 5 bases deleted (GAGAT; older notation c.1291_1295delGAGAT).
Protein change: p.Glu431fs; shifts the reading frame from glutamic acid 431.
Molecular consequence: frameshift variant.
Genome position (GRCh38, 1-based): chr5:132,589,676-132,589,680, GAGAT deleted; deleting any 5 consecutive bases within chr5:132,589,672-132,589,680 gives the same sequence; the c. name uses the placement nearest the transcript's 3' end. VCF-style (leftmost placement, unchanged base first): chr5-132589671-TAGATG-T. GRCh37 (hg19) VCF-style: chr5-131925363-TAGATG-T.
Other names: c.1291_1295delGAGAT (NM_005732.3); short protein forms E431fs.
Identifiers: ClinVar variation 654483 (VCV000654483.13), dbSNP rs1580993404, ClinGen allele CA915943548.

ClinVar aggregate classification (germline): Pathogenic. Review status: criteria provided, multiple submitters, no conflicts (2 of 4 stars). 2 submissions from 2 submitters: Pathogenic (2). Last evaluated 2025-02-19.

Conditions:
Hereditary cancer-predisposing syndrome. Also called: Hereditary neoplastic syndrome; Tumor predisposition; Neoplastic Syndromes, Hereditary; Hereditary Cancer Syndrome. Identifiers: Orphanet 140162, MedGen C0027672, MeSH D009386, MONDO:0015356.

Submissions (2):

Labcorp Genetics (formerly Invitae), Labcorp
Classification: Pathogenic for Hereditary cancer-predisposing syndrome. Last evaluated: 2025-02-19. Review status: criteria provided, single submitter. Criteria: Invitae Variant Classification Sherloc (09022015). Collection method: clinical testing. Allele origin: germline.
Comment: This sequence change creates a premature translational stop signal (p.Glu431Lysfs*3) in the RAD50 gene. It is expected to result in an absent or disrupted protein product. Loss-of-function variants in RAD50 are known to be pathogenic (PMID: 19409520). This variant is not present in population databases (gnomAD no frequency). This premature translational stop signal has been observed in individual(s) with breast cancer (PMID: 25927356). ClinVar contains an entry for this variant (Variation ID: 654483). Algorithms developed to predict the effect of sequence changes on RNA splicing suggest that this variant may disrupt the consensus splice site. For these reasons, this variant has been classified as Pathogenic.

Ambry Genetics
Classification: Pathogenic for Hereditary cancer-predisposing syndrome. Last evaluated: 2018-06-29. Review status: criteria provided, single submitter. Criteria: Ambry Variant Classification Scheme 2023. Collection method: clinical testing. Allele origin: germline.
Comment: The c.1291_1295delGAGAT pathogenic mutation, located in coding exon 9 of the RAD50 gene, results from a deletion of 5 nucleotides at nucleotide positions 1291 to 1295, causing a translational frameshift with a predicted alternate stop codon (p.E431Kfs*3). This alteration was reported in 1/99 Chinese individuals with hereditary breast cancer; this individual was also found to have a CDKN2A pathogenic mutation. Her sister, affected with breast cancer, had only the RAD50 mutation, while their mother, also affected with breast cancer, had only the CDKN2A mutation (Yang X et al. PLoS ONE, 2015 Apr;10:e0125571). In addition to the information presented in the literature, this alteration is expected to result in loss of function by premature protein truncation or nonsense-mediated mRNA decay. As such, this alteration is interpreted as a disease-causing mutation.

Literature cited by the submitters: PubMed 19409520 (cited by Labcorp Genetics (formerly Invitae), Labcorp); PubMed 25927356 (cited by Labcorp Genetics (formerly Invitae), Labcorp and Ambry Genetics).